The following is an entry in ClinVar:

NM_004168.4(SDHA):c.1680G>A (p.Thr560=)

Gene: SDHA (succinate dehydrogenase complex flavoprotein subunit A; plus strand). Cytogenetic location: 5p15.33.
Variant type: single nucleotide variant.
Coding change: c.1680G>A on transcript NM_004168.4 (MANE Select); coding-DNA position 1680, G replaced by A.
Protein change: p.Thr560=; no amino-acid change (threonine 560 retained).
Molecular consequence: synonymous variant. On other transcripts: intron variant (1).
Genome position (GRCh38, 1-based): chr5:251,354, G>A. VCF-style: chr5-251354-G-A. GRCh37 (hg19) VCF-style: chr5-251469-G-A.
Other names: p.Thr560=; c.1536G>A, p.Thr512= (NM_001294332.2); c.1552-3039G>A (NM_001330758.2).
Identifiers: ClinVar variation 130276 (VCV000130276.37), dbSNP rs1139449, ClinGen allele CA155146.

ClinVar aggregate classification (germline): Benign/Likely benign. Review status: criteria provided, multiple submitters, no conflicts (2 of 4 stars). 16 submissions from 14 submitters: Benign (11); Likely benign (4). 1 of the submissions does not count toward it. Last evaluated 2026-02-04.

Conditions:
Hereditary pheochromocytoma and paraganglioma. Also called: Hereditary Paraganglioma-Pheochromocytoma Syndromes; Hereditary paragangliomas and pheochromocytomas; Hereditary pheochromocytoma-paraganglioma. Identifiers: Orphanet 29072, MedGen C4274332, MONDO:0017366.
Pheochromocytoma/paraganglioma syndrome 5. Also called: SDHA-Related Hereditary Paraganglioma-Pheochromocytoma Syndrome; Paragangliomas 5. Identifiers: Orphanet 29072, MedGen C3279992, MONDO:0013602, OMIM 614165.
Leigh syndrome (NULS). Also called: Leigh Disease; Subacute necrotizing encephalopathy; Necrotizing encephalopathy infantile subacute of Leigh; Leigh's necrotizing encephalopathy; Leigh's disease; Leigh Syndrome (mtDNA deletion). Identifiers: Orphanet 506, MedGen C2931891, MONDO:0009723, OMIM 256000.
Mitochondrial complex II deficiency, nuclear type 1. Also called: SUCCINATE CoQ REDUCTASE DEFICIENCY. Identifiers: Orphanet 3208, MedGen C5700310, MONDO:0100294, OMIM 252011.
Dilated cardiomyopathy 1GG (CMD1GG). Identifiers: Orphanet 154, MedGen C3150898, MONDO:0013339, OMIM 613642.
Neurodegeneration with ataxia and late-onset optic atrophy. Identifiers: MedGen C5543254, MONDO:0031006, OMIM 619259.
Hereditary cancer-predisposing syndrome. Also called: Tumor predisposition; Hereditary neoplastic syndrome; Neoplastic Syndromes, Hereditary; Hereditary Cancer Syndrome. Identifiers: Orphanet 140162, MedGen C0027672, MeSH D009386, MONDO:0015356.

Allele frequency attached by ClinVar (database versions not stated): gnomAD exomes 0.13513 and 0.14527; ExAC 0.15268; gnomAD 0.23992 and 0.25156; 1000 Genomes Project 0.24840; 1000 Genomes Project 30x 0.26187; TOPMed 0.26749.
gnomAD v4.1: 234,663 of 1,609,722 alleles (15%); highest among the groups gnomAD compares: African/African-American, 53%; 23,907 homozygotes.

Submissions (16):

Labcorp Genetics (formerly Invitae), Labcorp
Classification: Benign for Pheochromocytoma/paraganglioma syndrome 5; Mitochondrial complex II deficiency, nuclear type 1. Last evaluated: 2026-02-04. Review status: criteria provided, single submitter. Criteria: Invitae Variant Classification Sherloc (09022015). Collection method: clinical testing. Allele origin: germline.

Myriad Genetics, Inc.
Classification: Benign for Pheochromocytoma/paraganglioma syndrome 5. Last evaluated: 2025-03-11. Review status: criteria provided, single submitter. Criteria: Myriad Autosomal Dominant, Autosomal Recessive and X-Linked Classification Criteria (2023). Collection method: clinical testing. Allele origin: unknown.
Comment: This variant is considered benign. This variant is a silent/synonymous amino acid change and it is not expected to impact splicing.

Hereditary Cancer Laboratory, Hospital Universitario 12 de Octubre
Classification: Benign for Hereditary cancer-predisposing syndrome. Last evaluated: 2025-01-08. Review status: criteria provided, single submitter. Criteria: ACMG Guidelines, 2015. Collection method: clinical testing. Allele origin: germline.
Comment: BA1+BP6+BP7

Blueprint Genetics
Classification: Benign. Last evaluated: 2024-11-26. Review status: criteria provided, single submitter. Criteria: ACMG Guidelines, 2015. Collection method: clinical testing. Allele origin: germline.

Department of Pathology and Laboratory Medicine, Sinai Health System
Classification: Benign for Mitochondrial complex II deficiency, nuclear type 1; Dilated cardiomyopathy 1GG; Pheochromocytoma/paraganglioma syndrome 5; Neurodegeneration with ataxia and late-onset optic atrophy. Last evaluated: 2024-04-08. Review status: criteria provided, single submitter. Criteria: ACMG Guidelines, 2015. Collection method: clinical testing. Allele origin: germline.

KCCC/NGS Laboratory, Kuwait Cancer Control Center
Classification: Benign for Pheochromocytoma/paraganglioma syndrome 5. Last evaluated: 2023-07-07. Review status: criteria provided, single submitter. Criteria: ACMG Guidelines, 2015. Collection method: clinical testing. Allele origin: germline. Affected: yes.

Mayo Clinic Laboratories, Mayo Clinic
Classification: Benign. Last evaluated: 2022-05-01. Review status: criteria provided, single submitter. Criteria: ACMG Guidelines, 2015. Collection method: clinical testing. Allele origin: germline. Observed: 503 variant alleles.

ARUP Laboratories, Molecular Genetics and Genomics, ARUP Laboratories
Classification: Benign. Last evaluated: 2020-01-03. Review status: criteria provided, single submitter. Criteria: ARUP Molecular Germline Variant Investigation Process. Collection method: clinical testing. Allele origin: germline.

Illumina Laboratory Services, Illumina
Classification: Likely benign for Mitochondrial complex II deficiency, nuclear type 1. Last evaluated: 2017-04-27. Review status: criteria provided, single submitter. Criteria: ICSL Variant Classification Criteria 13 December 2019. Collection method: clinical testing. Allele origin: germline.
Comment: This variant was observed as part of a predisposition screen in an ostensibly healthy population. A literature search was performed for the gene, cDNA change, and amino acid change (where applicable). No publications were found based on this search. Allele frequency data from public databases allowed determination this variant is unlikely to cause disease. Therefore, this variant is classified as likely benign.

Illumina Laboratory Services, Illumina
Classification: Likely benign for Leigh syndrome. Last evaluated: 2017-04-27. Review status: criteria provided, single submitter. Criteria: ICSL Variant Classification Criteria 13 December 2019. Collection method: clinical testing. Allele origin: germline.
Comment: the same text as in the submission from Illumina Laboratory Services, Illumina above.

Illumina Laboratory Services, Illumina
Classification: Likely benign for Hereditary Paraganglioma-Pheochromocytoma Syndromes. Last evaluated: 2017-04-27. Review status: criteria provided, single submitter. Criteria: ICSL Variant Classification Criteria 13 December 2019. Collection method: clinical testing. Allele origin: germline.
Comment: the same text as in the submission from Illumina Laboratory Services, Illumina above.

GeneDx
Classification: Benign. Last evaluated: 2015-03-03. Review status: criteria provided, single submitter. Criteria: GeneDx Variant Classification Process June 2021. Collection method: clinical testing. Allele origin: germline. Affected: yes.

Ambry Genetics
Classification: Benign for Hereditary cancer-predisposing syndrome. Last evaluated: 2014-11-18. Review status: criteria provided, single submitter. Criteria: Ambry Variant Classification Scheme 2023. Collection method: clinical testing. Allele origin: germline.

Breakthrough Genomics
Classification: Likely benign. Review status: criteria provided, single submitter. Criteria: ACMG Guidelines, 2015. Collection method: not provided. Allele origin: germline. Inheritance: Autosomal recessive inheritance. Affected: yes.

PreventionGenetics, part of Exact Sciences
Classification: Benign. Review status: criteria provided, single submitter. Criteria: ACMG Guidelines, 2015. Collection method: clinical testing. Allele origin: germline.

Genetic Services Laboratory, University of Chicago
Classification: Likely benign for AllHighlyPenetrant. Review status: no assertion criteria provided. Collection method: clinical testing. Allele origin: germline. Not counted in ClinVar's aggregate classification.
Comment: Likely benign based on allele frequency in 1000 Genomes Project or ESP global frequency and its presence in a patient with a rare or unrelated disease phenotype. NOT Sanger confirmed.